The following is an entry in ClinVar:

ClinVar aggregate classification (germline): Conflicting classifications of pathogenicity. Review status: criteria provided, conflicting classifications (1 of 4 stars). 3 submissions from 3 submitters: Uncertain significance (2); Likely benign (1). Last evaluated 2024-09-20.

Conditions:
Inborn genetic diseases. Identifiers: MedGen C0950123, MeSH D030342.
MOGS-congenital disorder of glycosylation. Also called: CDG 2B; GLUCOSIDASE I DEFICIENCY; MOGS-CDG; CDG IIb. Identifiers: Orphanet 79330, MedGen C1853736, MONDO:0011629, OMIM 606056.

Allele frequency attached by ClinVar (database versions not stated): gnomAD 0.00003 and 0.00004; TOPMed 0.00003; gnomAD exomes 0.00008 and 0.00016; ExAC 0.00020.

Submissions (3):

3billion
Classification: Likely benign for MOGS-congenital disorder of glycosylation. Last evaluated: 2024-09-20. Review status: criteria provided, single submitter. Criteria: ACMG Guidelines, 2015. Collection method: clinical testing. Allele origin: germline. Affected: no.
Comment: The homozygous variant was found in patients diagnosed with another variant in a different gene, with no symptoms related to the gene containing the homozygous variant.

Ambry Genetics
Classification: Uncertain significance for Inborn genetic diseases. Last evaluated: 2024-01-24. Review status: criteria provided, single submitter. Criteria: Ambry Variant Classification Scheme 2023. Collection method: clinical testing. Allele origin: germline.

Labcorp Genetics (formerly Invitae), Labcorp
Classification: Uncertain significance for MOGS-congenital disorder of glycosylation. Last evaluated: 2021-08-13. Review status: criteria provided, single submitter. Criteria: Invitae Variant Classification Sherloc (09022015). Collection method: clinical testing. Allele origin: germline.
Comment: This sequence change replaces arginine with cysteine at codon 241 of the MOGS protein (p.Arg241Cys). The arginine residue is moderately conserved and there is a large physicochemical difference between arginine and cysteine. This variant is present in population databases (rs745844848, ExAC 0.1%). This variant has not been reported in the literature in individuals affected with MOGS-related conditions. Algorithms developed to predict the effect of missense changes on protein structure and function (SIFT, PolyPhen-2, Align-GVGD) all suggest that this variant is likely to be disruptive. In summary, the available evidence is currently insufficient to determine the role of this variant in disease. Therefore, it has been classified as a Variant of Uncertain Significance.

NM_006302.3(MOGS):c.721C>T (p.Arg241Cys)

Gene: MOGS (mannosyl-oligosaccharide glucosidase; minus strand). Cytogenetic location: 2p13.1.
Variant type: single nucleotide variant.
Coding change: c.721C>T on transcript NM_006302.3 (MANE Select); coding-DNA position 721, C replaced by T.
Protein change: p.Arg241Cys; replaces arginine 241 with cysteine.
Molecular consequence: missense variant.
Genome position (GRCh38, 1-based): chr2:74,463,245, G>A on the plus strand (C>T on the coding strand, the complement: MOGS is on the minus strand). VCF-style: chr2-74463245-G-A. GRCh37 (hg19) VCF-style: chr2-74690372-G-A.
Other names: c.403C>T, p.Arg135Cys (NM_001146158.2); c.721C>T (NM_006302.2); short protein forms R135C, R241C.
Identifiers: ClinVar variation 1038625 (VCV001038625.8), dbSNP rs745844848, ClinGen allele CA1724951.